The following is an entry in ClinVar:

ClinVar aggregate classification (germline): Likely benign. Review status: criteria provided, multiple submitters, no conflicts (2 of 4 stars). 3 submissions from 3 submitters: Likely benign (3). Last evaluated 2025-05-14.

Allele frequency attached by ClinVar (database versions not stated): gnomAD exomes 0.00001 and 0.00002; TOPMed 0.00002; gnomAD 0.00003.
gnomAD v4.1: 31 of 1,614,072 alleles (0.0019%); highest among the groups gnomAD compares: African/African-American, 0.0027%; no homozygotes.

Submissions (3):

Labcorp Genetics (formerly Invitae), Labcorp
Classification: Likely benign. Last evaluated: 2025-05-14. Review status: criteria provided, single submitter. Criteria: Invitae Variant Classification Sherloc (09022015). Collection method: clinical testing. Allele origin: germline.

Blueprint Genetics
Classification: Likely benign. Last evaluated: 2024-03-27. Review status: criteria provided, single submitter. Criteria: ACMG Guidelines, 2015. Collection method: clinical testing. Allele origin: germline.

CeGaT Center for Human Genetics Tuebingen
Classification: Likely benign. Last evaluated: 2023-07-01. Review status: criteria provided, single submitter. Criteria: CeGaT Center For Human Genetics Tuebingen Variant Classification Criteria Version 2. Collection method: clinical testing. Allele origin: germline. Affected: yes. Observed: 1 variant allele.
Comment: KMT2A: BP4, BP7

NM_001197104.2(KMT2A):c.8784A>G (p.Leu2928=)

Gene: KMT2A (lysine methyltransferase 2A; plus strand). Cytogenetic location: 11q23.3.
Variant type: single nucleotide variant.
Coding change: c.8784A>G on transcript NM_001197104.2 (MANE Select); coding-DNA position 8784, A replaced by G.
Protein change: p.Leu2928=; no amino-acid change (leucine 2928 retained).
Molecular consequence: synonymous variant.
Genome position (GRCh38, 1-based): chr11:118,504,676, A>G. VCF-style: chr11-118504676-A-G. GRCh37 (hg19) VCF-style: chr11-118375391-A-G.
Other names: c.8775A>G, p.Leu2925= (NM_005933.4).
Identifiers: ClinVar variation 1628396 (VCV001628396.33), dbSNP rs782565279, ClinGen allele CA229529156.